The following is an entry in ClinVar:

ClinVar aggregate classification (germline): Uncertain significance (1 of 4 stars; one submission).

Conditions:
Wilson-Turner syndrome (WTS). Also called: MENTAL RETARDATION, X-LINKED, SYNDROMIC 6; INTELLECTUAL DEVELOPMENTAL DISORDER, X-LINKED, SYNDROMIC, WILSON-TURNER TYPE. Identifiers: Orphanet 3459, MedGen C1839736, MONDO:0010665, OMIM 309585.

Allele frequency attached by ClinVar (database versions not stated): TOPMed 0.00006.
gnomAD v4.1: 6 of 1,207,607 alleles (0.0005%); highest among the groups gnomAD compares: African/African-American, 0.0018%; no homozygotes.

Submission:

Labcorp Genetics (formerly Invitae), Labcorp
Classification: Uncertain significance for Wilson-Turner syndrome. Last evaluated: 2022-08-23. Review status: criteria provided, single submitter. Criteria: Invitae Variant Classification Sherloc (09022015). Collection method: clinical testing. Allele origin: germline.
Comment: In summary, the available evidence is currently insufficient to determine the role of this variant in disease. Therefore, it has been classified as a Variant of Uncertain Significance. Algorithms developed to predict the effect of missense changes on protein structure and function output the following: SIFT: "Tolerated"; PolyPhen-2: "Benign"; Align-GVGD: "Class C0". The leucine amino acid residue is found in multiple mammalian species, which suggests that this missense change does not adversely affect protein function. ClinVar contains an entry for this variant (Variation ID: 661084). This variant has not been reported in the literature in individuals affected with LAS1L-related conditions. This variant is present in population databases (no rsID available, gnomAD 0.003%). This sequence change replaces valine, which is neutral and non-polar, with leucine, which is neutral and non-polar, at codon 372 of the LAS1L protein (p.Val372Leu).

NM_031206.7(LAS1L):c.1114G>C (p.Val372Leu)

Gene: LAS1L (LAS1 like ribosome biogenesis factor; minus strand). Cytogenetic location: Xq12.
Variant type: single nucleotide variant.
Coding change: c.1114G>C on transcript NM_031206.7 (MANE Select); coding-DNA position 1114, G replaced by C.
Protein change: p.Val372Leu; replaces valine 372 with leucine.
Molecular consequence: missense variant. On other transcripts: non-coding transcript variant (1).
Genome position (GRCh38, 1-based): chrX:65,524,242, C>G on the plus strand (G>C on the coding strand, the complement: LAS1L is on the minus strand). VCF-style: chrX-65524242-C-G. GRCh37 (hg19) VCF-style: chrX-64744122-C-G.
Other names: c.1063G>C, p.Val355Leu (NM_001170649.2, NM_001375331.1, NM_001375333.1 and 2 more transcripts); c.937G>C, p.Val313Leu (NM_001170650.2); c.1114G>C, p.Val372Leu (NM_001375328.1, NM_001375329.1, NM_001375330.1 and 2 more transcripts); c.157G>C, p.Val53Leu (NM_001375332.1); short protein forms V372L, V313L, V355L, V53L.
Identifiers: ClinVar variation 661084 (VCV000661084.9), dbSNP rs186130633, ClinGen allele CA413317653.